The following is an entry in ClinVar:

ClinVar aggregate classification (germline): Uncertain significance (1 of 4 stars; one submission).

Submission:

Labcorp Genetics (formerly Invitae), Labcorp
Classification: Uncertain significance. Last evaluated: 2022-08-16. Review status: criteria provided, single submitter. Criteria: Invitae Variant Classification Sherloc (09022015). Collection method: clinical testing. Allele origin: germline.
Comment: This sequence change replaces leucine, which is neutral and non-polar, with proline, which is neutral and non-polar, at codon 119 of the PRPF8 protein (p.Leu119Pro). This variant is not present in population databases (gnomAD no frequency). This variant has not been reported in the literature in individuals affected with PRPF8-related conditions. Algorithms developed to predict the effect of missense changes on protein structure and function are either unavailable or do not agree on the potential impact of this missense change (SIFT: "Deleterious"; PolyPhen-2: "Probably Damaging"; Align-GVGD: "Class C0"). In summary, the available evidence is currently insufficient to determine the role of this variant in disease. Therefore, it has been classified as a Variant of Uncertain Significance.

NM_006445.4(PRPF8):c.356T>C (p.Leu119Pro)

Gene: PRPF8 (pre-mRNA processing factor 8; minus strand). Cytogenetic location: 17p13.3.
Variant type: single nucleotide variant.
Coding change: c.356T>C on transcript NM_006445.4 (MANE Select); coding-DNA position 356, T replaced by C.
Protein change: p.Leu119Pro; replaces leucine 119 with proline.
Molecular consequence: missense variant.
Genome position (GRCh38, 1-based): chr17:1,682,207, A>G on the plus strand (T>C on the coding strand, the complement: PRPF8 is on the minus strand). VCF-style: chr17-1682207-A-G. GRCh37 (hg19) VCF-style: chr17-1585501-A-G.
Other names: short protein forms L119P.
Identifiers: ClinVar variation 2086876 (VCV002086876.4), dbSNP rs2543783728, ClinGen allele CA397569946.
Genomic context (GRCh38, chr17:1,682,207, plus strand): 5'-ACAGGTTCAATGACCCAGGGAATCTCATTGACGAAGGAAATGGCTCCAGTGATGTGGTAC[A>G]GCACAGGCACATCCCGAATCTGCTCCCAAGGCATAGGCATGTTCTCCAGGAGTTTGAGGA-3'
Protein context (NP_006436.3, residues 109-129): PWEQIRDVPV[Leu119Pro]YHITGAISFV